The following is an entry in ClinVar:

NM_004006.3(DMD):c.10978A>G (p.Met3660Val)

Gene: DMD (dystrophin; minus strand). Cytogenetic location: Xp21.2.
Variant type: single nucleotide variant.
Coding change: c.10978A>G on transcript NM_004006.3 (MANE Select); coding-DNA position 10978, A replaced by G.
Protein change: p.Met3660Val; replaces methionine 3660 with valine.
Molecular consequence: missense variant.
Genome position (GRCh38, 1-based): chrX:31,134,138, T>C on the plus strand (A>G on the coding strand, the complement: DMD is on the minus strand). VCF-style: chrX-31134138-T-C. GRCh37 (hg19) VCF-style: chrX-31152255-T-C.
Other names: c.10954A>G, p.Met3652Val (NM_000109.4); c.10966A>G, p.Met3656Val (NM_004009.3); c.10609A>G, p.Met3537Val (NM_004010.3); c.6955A>G, p.Met2319Val (NM_004011.4); c.6946A>G, p.Met2316Val (NM_004012.4); c.3598A>G, p.Met1200Val (NM_004013.3, NM_004021.3); c.2791A>G, p.Met931Val (NM_004014.3); c.1774A>G, p.Met592Val (NM_004015.3, NM_004016.3); and 3 more; short protein forms M1090V, M1200V, M3652V, M1187V, M3537V, M3656V, M592V, M2316V.
Identifiers: ClinVar variation 1790853 (VCV001790853.3), dbSNP rs746893659, ClinGen allele CA412648145.

ClinVar aggregate classification (germline): Uncertain significance. Review status: criteria provided, multiple submitters, no conflicts (2 of 4 stars). 2 submissions from 2 submitters: Uncertain significance (2). Last evaluated 2025-11-10.

Conditions:
Duchenne muscular dystrophy (DMD). Also called: MUSCULAR DYSTROPHY, PSEUDOHYPERTROPHIC PROGRESSIVE, DUCHENNE TYPE; Duchenne Muscular Dystrophy (DMD). Identifiers: Orphanet 98896, MedGen C0013264, MONDO:0010679, OMIM 310200.
Cardiovascular phenotype. Identifiers: MedGen CN230736.

gnomAD v4.1: 4 of 1,211,278 alleles (0.00033%); highest among the groups gnomAD compares: South Asian, 0.0053%; no homozygotes.

Submissions (2):

Labcorp Genetics (formerly Invitae), Labcorp
Classification: Uncertain significance for Duchenne muscular dystrophy. Last evaluated: 2025-11-10. Review status: criteria provided, single submitter. Criteria: Invitae Variant Classification Sherloc (09022015). Collection method: clinical testing. Allele origin: germline.
Comment: This sequence change replaces methionine, which is neutral and non-polar, with valine, which is neutral and non-polar, at codon 3660 of the DMD protein (p.Met3660Val). This variant is not present in population databases (gnomAD no frequency). This variant has not been reported in the literature in individuals affected with DMD-related conditions. ClinVar contains an entry for this variant (Variation ID: 1790853). Invitae Evidence Modeling of protein sequence and biophysical properties (such as structural, functional, and spatial information, amino acid conservation, physicochemical variation, residue mobility, and thermodynamic stability) indicates that this missense variant is not expected to disrupt DMD protein function with a negative predictive value of 95%. In summary, the available evidence is currently insufficient to determine the role of this variant in disease. Therefore, it has been classified as a Variant of Uncertain Significance.

Ambry Genetics
Classification: Uncertain significance for Cardiovascular phenotype. Last evaluated: 2020-10-12. Review status: criteria provided, single submitter. Criteria: Ambry Variant Classification Scheme 2023. Collection method: clinical testing. Allele origin: germline.
Comment: The p.M3660V variant (also known as c.10978A>G), located in coding exon 77 of the DMD gene, results from an A to G substitution at nucleotide position 10978. The methionine at codon 3660 is replaced by valine, an amino acid with highly similar properties. This amino acid position is highly conserved in available vertebrate species. In addition, the in silico prediction for this alteration is inconclusive. Since supporting evidence is limited at this time, the clinical significance of this alteration remains unclear.